The following is an entry in ClinVar:

ClinVar aggregate classification (germline): Conflicting classifications of pathogenicity. Review status: criteria provided, conflicting classifications (1 of 4 stars). 2 submissions from 2 submitters: Likely pathogenic (1); Uncertain significance (1). Last evaluated 2024-12-18.

Conditions:
Aicardi-Goutieres syndrome 3. Identifiers: Orphanet 51, MedGen C1835916, MONDO:0012471, OMIM 610329.
Aicardi Goutieres syndrome (AGS). Also called: Encephalopathy, familial infantile, with calcification of basal ganglia and chronic cerebrospinal fluid lymphocytosis. Identifiers: Orphanet 51, MedGen C0393591, MONDO:0018866.

Allele frequency attached by ClinVar (database versions not stated): ExAC 0.00002; TOPMed 0.00002; gnomAD 0.00003; 1000 Genomes Project 30x 0.00016; 1000 Genomes Project 0.00020.
gnomAD v4.1: 23 of 1,614,106 alleles (0.0014%); highest among the groups gnomAD compares: East Asian, 0.042%; no homozygotes.

Submissions (2):

Women's Health and Genetics/Laboratory Corporation of America, LabCorp
Classification: Likely pathogenic for Aicardi Goutieres syndrome. Last evaluated: 2024-12-18. Review status: criteria provided, single submitter. Criteria: LabCorp Variant Classification Summary - May 2015. Collection method: clinical testing. Allele origin: germline.
Comment: Variant summary: RNASEH2C c.194G>A (p.Gly65Asp) results in a non-conservative amino acid change in the encoded protein sequence. Five of five in-silico tools predict a damaging effect of the variant on protein function. The variant allele was found at a frequency of 2.4e-05 in 250540 control chromosomes. c.194G>A has been reported in the literature in compound heterozygous individuals affected with clinical features of Aicardi Goutieres syndrome (Wang_2022, Wang_2023). Haplotype cluster analysis suggests that this variant is a Chinese-specific founder variant (Wang_2023). These data indicate that the variant is likely to be associated with disease. To our knowledge, no experimental evidence demonstrating an impact on protein function has been reported. The following publications have been ascertained in the context of this evaluation (PMID: 37092250, 35551623). ClinVar contains an entry for this variant (Variation ID: 2171931). Based on the evidence outlined above, the variant was classified as likely pathogenic.

Labcorp Genetics (formerly Invitae), Labcorp
Classification: Uncertain significance for Aicardi-Goutieres syndrome 3. Last evaluated: 2022-06-15. Review status: criteria provided, single submitter. Criteria: Invitae Variant Classification Sherloc (09022015). Collection method: clinical testing. Allele origin: germline.
Comment: This sequence change replaces glycine, which is neutral and non-polar, with aspartic acid, which is acidic and polar, at codon 65 of the RNASEH2C protein (p.Gly65Asp). This variant is present in population databases (rs554234154, gnomAD 0.05%). This variant has not been reported in the literature in individuals affected with RNASEH2C-related conditions. Algorithms developed to predict the effect of missense changes on protein structure and function (SIFT, PolyPhen-2, Align-GVGD) all suggest that this variant is likely to be disruptive. In summary, the available evidence is currently insufficient to determine the role of this variant in disease. Therefore, it has been classified as a Variant of Uncertain Significance.

Literature cited by the submitters: PubMed 35551623 (cited by Women's Health and Genetics/Laboratory Corporation of America, LabCorp); PubMed 37092250 (cited by Women's Health and Genetics/Laboratory Corporation of America, LabCorp).

NM_032193.4(RNASEH2C):c.194G>A (p.Gly65Asp)

Gene: RNASEH2C (ribonuclease H2 subunit C; minus strand). Cytogenetic location: 11q13.1.
Variant type: single nucleotide variant.
Coding change: c.194G>A on transcript NM_032193.4 (MANE Select); coding-DNA position 194, G replaced by A.
Protein change: p.Gly65Asp; replaces glycine 65 with aspartic acid.
Molecular consequence: missense variant.
Genome position (GRCh38, 1-based): chr11:65,720,396, C>T on the plus strand (G>A on the coding strand, the complement: RNASEH2C is on the minus strand). VCF-style: chr11-65720396-C-T. GRCh37 (hg19) VCF-style: chr11-65487867-C-T.
Other names: short protein forms G65D.
Identifiers: ClinVar variation 2171931 (VCV002171931.3), dbSNP rs554234154, ClinGen allele CA6107772.